The following is an entry in ClinVar:

NM_001164508.2(NEB):c.4526G>A (p.Gly1509Glu)

Gene: NEB (nebulin; minus strand). Cytogenetic location: 2q23.3.
Variant type: single nucleotide variant.
Coding change: c.4526G>A on transcript NM_001164508.2 (MANE Select); coding-DNA position 4526, G replaced by A.
Protein change: p.Gly1509Glu; replaces glycine 1509 with glutamic acid.
Molecular consequence: missense variant.
Genome position (GRCh38, 1-based): chr2:151,669,112, C>T on the plus strand (G>A on the coding strand, the complement: NEB is on the minus strand). VCF-style: chr2-151669112-C-T. GRCh37 (hg19) VCF-style: chr2-152525626-C-T.
Other names: c.4526G>A, p.Gly1509Glu (NM_001164507.2, NM_001271208.2, NM_004543.5); short protein forms G1509E.
Identifiers: ClinVar variation 1365218 (VCV001365218.3), dbSNP rs2154185771, ClinGen allele CA348815120.

ClinVar aggregate classification (germline): Uncertain significance (1 of 4 stars; one submission).

Conditions:
Nemaline myopathy 2 (NEM2). Also called: Nemaline myopathy 2, autosomal recessive. Identifiers: MedGen C1850569, MONDO:0009725, OMIM 256030.

Submission:

Labcorp Genetics (formerly Invitae), Labcorp
Classification: Uncertain significance for Nemaline myopathy 2. Last evaluated: 2022-08-16. Review status: criteria provided, single submitter. Criteria: Invitae Variant Classification Sherloc (09022015). Collection method: clinical testing. Allele origin: germline.
Comment: This sequence change replaces glycine, which is neutral and non-polar, with glutamic acid, which is acidic and polar, at codon 1509 of the NEB protein (p.Gly1509Glu). This variant is not present in population databases (gnomAD no frequency). This variant has not been reported in the literature in individuals affected with NEB-related conditions. ClinVar contains an entry for this variant (Variation ID: 1365218). Algorithms developed to predict the effect of missense changes on protein structure and function are either unavailable or do not agree on the potential impact of this missense change (SIFT: "Deleterious"; PolyPhen-2: "Not Available"; Align-GVGD: "Class C0"). In summary, the available evidence is currently insufficient to determine the role of this variant in disease. Therefore, it has been classified as a Variant of Uncertain Significance.